The following is an entry in ClinVar:

NM_000465.4(BARD1):c.2109C>T (p.Leu703=)

Gene: BARD1 (BRCA1 associated RING domain 1; minus strand). Cytogenetic location: 2q35.
Variant type: single nucleotide variant.
Coding change: c.2109C>T on transcript NM_000465.4 (MANE Select); coding-DNA position 2109, C replaced by T.
Protein change: p.Leu703=; no amino-acid change (leucine 703 retained).
Molecular consequence: synonymous variant. On other transcripts: non-coding transcript variant (3).
Genome position (GRCh38, 1-based): chr2:214,728,901, G>A on the plus strand (C>T on the coding strand, the complement: BARD1 is on the minus strand). VCF-style: chr2-214728901-G-A. GRCh37 (hg19) VCF-style: chr2-215593625-G-A.
Other names: c.2052C>T, p.Leu684= (NM_001282543.2); c.756C>T, p.Leu252= (NM_001282545.2); c.699C>T, p.Leu233= (NM_001282548.2); c.570C>T, p.Leu190= (NM_001282549.2).
Identifiers: ClinVar variation 1142274 (VCV001142274.13), dbSNP rs2105987417, ClinGen allele CA431393705.
Genomic context (GRCh38, chr2:214,728,901, plus strand): 5'-ATGGTATGCGACTGTATTGATGGTCTGAGTCACGTCACTGTCTGGCTTGGGCTTTCTACT[G>A]AGGATCTGGCCCCCACCTGCAGTGACGAGCTTAATAAGGTTGTCCTTTGGATGGTGTTTG-3'
Protein context (NP_000456.2, residues 693-713): KLVTAGGGQI[Leu703=]SRKPKPDSDV

ClinVar aggregate classification (germline): Benign/Likely benign. Review status: criteria provided, multiple submitters, no conflicts (2 of 4 stars). 3 submissions from 3 submitters: Benign (1); Likely benign (2). Last evaluated 2024-07-29.

Conditions:
Hereditary cancer-predisposing syndrome. Also called: Hereditary Cancer Syndrome; Neoplastic Syndromes, Hereditary; Hereditary neoplastic syndrome; Tumor predisposition. Identifiers: Orphanet 140162, MedGen C0027672, MeSH D009386, MONDO:0015356.
Familial cancer of breast. Also called: Hereditary breast cancer; hereditary breast carcinoma; BREAST CANCER, FAMILIAL. Identifiers: Orphanet 227535, MedGen C0346153, MONDO:0016419, OMIM 114480. Disease mechanism: loss of function.

Allele frequency attached by ClinVar (database versions not stated): gnomAD exomes below 0.00001.
gnomAD v4.1: 1 of 1,614,196 alleles (0.000062%); highest among the groups gnomAD compares: South Asian, 0.0011%; no homozygotes.

Submissions (3):

Myriad Genetics, Inc.
Classification: Benign for Familial cancer of breast. Last evaluated: 2024-07-29. Review status: criteria provided, single submitter. Criteria: Myriad Autosomal Dominant, Autosomal Recessive and X-Linked Classification Criteria (2023). Collection method: clinical testing. Allele origin: unknown.
Comment: This variant is considered benign. This variant is a silent/synonymous amino acid change and it is not expected to impact splicing.

Ambry Genetics
Classification: Likely benign for Hereditary cancer-predisposing syndrome. Last evaluated: 2022-02-23. Review status: criteria provided, single submitter. Criteria: Ambry Variant Classification Scheme 2023. Collection method: clinical testing. Allele origin: germline.

Labcorp Genetics (formerly Invitae), Labcorp
Classification: Likely benign for Familial cancer of breast. Last evaluated: 2021-05-25. Review status: criteria provided, single submitter. Criteria: Invitae Variant Classification Sherloc (09022015). Collection method: clinical testing. Allele origin: germline.